The following is an entry in ClinVar:

ClinVar aggregate classification (germline): Uncertain significance. Review status: criteria provided, multiple submitters, no conflicts (2 of 4 stars). 2 submissions from 2 submitters: Uncertain significance (2). Last evaluated 2026-06-10.

Conditions:
Inborn genetic diseases. Identifiers: MedGen C0950123, MeSH D030342.
Spastic paraplegia. Identifiers: MedGen C0037772, HP:0001258.

Allele frequency attached by ClinVar (database versions not stated): gnomAD exomes below 0.00001; ExAC 0.00001.
gnomAD v4.1: 2 of 1,209,542 alleles (0.00017%); highest among the groups gnomAD compares: Non-Finnish European, 0.00011%; no homozygotes.

Submissions (2):

Ambry Genetics
Classification: Uncertain significance for Inborn genetic diseases. Last evaluated: 2026-06-10. Review status: criteria provided, single submitter. Criteria: Ambry Variant Classification Scheme 2023. Collection method: clinical testing. Allele origin: germline.
Comment: The c.623A>G (p.E208G) alteration is located in exon 1 (coding exon 1) of the SLC16A2 gene. This alteration results from a A to G substitution at nucleotide position 623, causing the glutamic acid (E) at amino acid position 208 to be replaced by a glycine (G). Based on data from gnomAD, the G allele has an overall frequency of 0.001% (1/175661) total alleles studied. The highest observed frequency was 0.001% (1/77368) of European (non-Finnish) alleles. Based on insufficient or conflicting evidence, the clinical significance of this alteration remains unclear.

Labcorp Genetics (formerly Invitae), Labcorp
Classification: Uncertain significance for Spastic paraplegia. Last evaluated: 2022-05-01. Review status: criteria provided, single submitter. Criteria: Invitae Variant Classification Sherloc (09022015). Collection method: clinical testing. Allele origin: germline.
Comment: Advanced modeling of protein sequence and biophysical properties (such as structural, functional, and spatial information, amino acid conservation, physicochemical variation, residue mobility, and thermodynamic stability) performed at Invitae indicates that this missense variant is not expected to disrupt SLC16A2 protein function. In summary, the available evidence is currently insufficient to determine the role of this variant in disease. Therefore, it has been classified as a Variant of Uncertain Significance. This variant has not been reported in the literature in individuals affected with SLC16A2-related conditions. This variant is present in population databases (rs778793968, gnomAD 0.001%). This sequence change replaces glutamic acid, which is acidic and polar, with glycine, which is neutral and non-polar, at codon 134 of the SLC16A2 protein (p.Glu134Gly).

NM_006517.5(SLC16A2):c.401A>G (p.Glu134Gly)

Gene: SLC16A2 (solute carrier family 16 member 2; plus strand). Cytogenetic location: Xq13.2.
Variant type: single nucleotide variant.
Coding change: c.401A>G on transcript NM_006517.5 (MANE Select); coding-DNA position 401, A replaced by G.
Protein change: p.Glu134Gly; replaces glutamic acid 134 with glycine.
Molecular consequence: missense variant.
Genome position (GRCh38, 1-based): chrX:74,422,038, A>G. VCF-style: chrX-74422038-A-G. GRCh37 (hg19) VCF-style: chrX-73641873-A-G.
Other names: c.623A>G (NM_006517.3); short protein forms E134G.
Identifiers: ClinVar variation 2132479 (VCV002132479.5), dbSNP rs778793968, ClinGen allele CA10454399.
Genomic context (GRCh38, chrX:74,422,038, plus strand): 5'-TCTTCGGCATCCATAACTCTGTCGGGATCCTCTACTCCATGCTGCTAGAGGAGGAAAAGG[A>G]AAAAAATCGCCAAGTGGAGTTCCAAGCAGGTGAGTGGCCCCGCACGCCCCACTTGGCATT-3'
Protein context (NP_006508.2, residues 124-144): LYSMLLEEEK[Glu134Gly]KNRQVEFQAA